The following is an entry in ClinVar:

ClinVar aggregate classification (germline): Uncertain significance (1 of 4 stars; one submission).

Conditions:
Inborn genetic diseases. Identifiers: MedGen C0950123, MeSH D030342.

Submission:

Ambry Genetics
Classification: Uncertain significance for Inborn genetic diseases. Last evaluated: 2026-09-03. Review status: criteria provided, single submitter. Criteria: Ambry Variant Classification Scheme 2023. Collection method: clinical testing. Allele origin: germline.
Comment: The p.P396R variant (also known as c.1187C>G), located in coding exon 7 of the WT1 gene, results from a C to G substitution at nucleotide position 1187. The proline at codon 396 is replaced by arginine, an amino acid with dissimilar properties. This amino acid position is highly conserved in available vertebrate species. In addition, the in silico prediction for this alteration is inconclusive. Based on the available evidence, the clinical significance of this variant remains unclear.

NM_024426.6(WT1):c.1202C>G (p.Pro401Arg)

Gene: WT1 (WT1 transcription factor; minus strand). Cytogenetic location: 11p13.
Variant type: single nucleotide variant.
Coding change: c.1202C>G on transcript NM_024426.6 (MANE Select); coding-DNA position 1202, C replaced by G.
Protein change: p.Pro401Arg; replaces proline 401 with arginine.
Molecular consequence: missense variant. On other transcripts: non-coding transcript variant (2).
Genome position (GRCh38, 1-based): chr11:32,396,319, G>C on the plus strand (C>G on the coding strand, the complement: WT1 is on the minus strand). VCF-style: chr11-32396319-G-C. GRCh37 (hg19) VCF-style: chr11-32417865-G-C.
Other names: c.1151C>G, p.Pro384Arg (NM_000378.6, NM_001407045.1, NM_001407048.1 and 1 more transcripts); c.551C>G, p.Pro184Arg (NM_001198551.2); c.500C>G, p.Pro167Arg (NM_001198552.2); c.14C>G, p.Pro5Arg (NM_001367854.1); c.1196C>G, p.Pro399Arg (NM_001407044.1); c.1202C>G, p.Pro401Arg (NM_001407046.1, NM_024424.5); c.1079C>G, p.Pro360Arg (NM_001407047.1); c.1028C>G, p.Pro343Arg (NM_001407050.1); and 3 more; short protein forms P343R, P184R, P384R, P147R, P311R, P396R, P399R, P5R.
Identifiers: ClinVar variation 5032012 (VCV005032012.1).